The following is an entry in ClinVar:

ClinVar aggregate classification (germline): Likely benign. Review status: criteria provided, multiple submitters, no conflicts (2 of 4 stars). 3 submissions from 3 submitters: Likely benign (2). 1 of the submissions does not count toward it. Last evaluated 2025-12-31.

Conditions:
ABCG5-related disorder. Also called: ABCG5-related condition.
Sitosterolemia (STSL). Also called: PHYTOSTEROLEMIA. Identifiers: Orphanet 2882, MedGen C0342907, MONDO:0008863.
Cardiovascular phenotype. Identifiers: MedGen CN230736.

Allele frequency attached by ClinVar (database versions not stated): gnomAD 0.00005; TOPMed 0.00005; ExAC 0.00005; gnomAD exomes 0.00002.
gnomAD v4.1: 37 of 1,590,336 alleles (0.0023%); highest among the groups gnomAD compares: Admixed American, 0.02%; no homozygotes.

Submissions (3):

Labcorp Genetics (formerly Invitae), Labcorp
Classification: Likely benign for Sitosterolemia. Last evaluated: 2025-12-31. Review status: criteria provided, single submitter. Criteria: Invitae Variant Classification Sherloc (09022015). Collection method: clinical testing. Allele origin: germline.

Ambry Genetics
Classification: Likely benign for Cardiovascular phenotype. Last evaluated: 2019-10-28. Review status: criteria provided, single submitter. Criteria: Ambry Variant Classification Scheme 2023. Collection method: clinical testing. Allele origin: germline.

PreventionGenetics, part of Exact Sciences
Classification: Likely benign for ABCG5-related condition. Last evaluated: 2020-10-30. Review status: no assertion criteria provided. Collection method: clinical testing. Allele origin: germline. Not counted in ClinVar's aggregate classification.
Comment: This variant is classified as likely benign based on ACMG/AMP sequence variant interpretation guidelines (Richards et al. 2015 PMID: 25741868, with internal and published modifications).

NM_022436.3(ABCG5):c.453C>A (p.Thr151=)

Gene: ABCG5 (ATP binding cassette subfamily G member 5; minus strand). Cytogenetic location: 2p21.
Variant type: single nucleotide variant.
Coding change: c.453C>A on transcript NM_022436.3 (MANE Select); coding-DNA position 453, C replaced by A.
Protein change: p.Thr151=; no amino-acid change (threonine 151 retained).
Molecular consequence: synonymous variant.
Genome position (GRCh38, 1-based): chr2:43,831,817, G>T on the plus strand (C>A on the coding strand, the complement: ABCG5 is on the minus strand). VCF-style: chr2-43831817-G-T. GRCh37 (hg19) VCF-style: chr2-44058956-G-T.
Identifiers: ClinVar variation 1741321 (VCV001741321.7), dbSNP rs753629544, ClinGen allele CA1636673.